The following is an entry in ClinVar:

ClinVar aggregate classification (germline): Uncertain significance. Review status: criteria provided, multiple submitters, no conflicts (2 of 4 stars). 2 submissions from 2 submitters: Uncertain significance (2). Last evaluated 2023-10-02.

Conditions:
Hypokalemic periodic paralysis, type 1. Also called: HypoPP; Hypokalemic Periodic Paralysis Type 1 (AD). Identifiers: Orphanet 681, MedGen C3714580, MONDO:0042979, OMIM 170400.
Malignant hyperthermia, susceptibility to, 5 (MHS5). Also called: CACNA1S-Related Malignant Hyperthermia Susceptibility. Identifiers: Orphanet 423, MedGen C1866077, MONDO:0011163, OMIM 601887.

gnomAD v4.1: 5 of 1,613,924 alleles (0.00031%); highest among the groups gnomAD compares: Non-Finnish European, 0.00042%; no homozygotes.

Submissions (2):

All of Us Research Program, National Institutes of Health
Classification: Uncertain significance for Malignant hyperthermia, susceptibility to, 5. Last evaluated: 2023-10-02. Review status: criteria provided, single submitter. Criteria: ACMG Guidelines, 2015. Collection method: clinical testing. Allele origin: germline. Inheritance: Autosomal dominant inheritance. Observed: 3 variant alleles, 3 heterozygotes.
Comment: This missense variant replaces asparagine with lysine at codon 663 of the CACNA1S protein. Computational prediction suggests that this variant may have deleterious impact on protein structure and function (internally defined REVEL score threshold >= 0.7, PMID: 27666373). To our knowledge, functional studies have not been reported for this variant. This variant has not been reported in individuals affected with CACNA1S-related disorders in the literature. This variant has not been identified in the general population by the Genome Aggregation Database (gnomAD). The available evidence is insufficient to determine the role of this variant in disease conclusively. Therefore, this variant is classified as a Variant of Uncertain Significance.

This study involves interpretation of variants in research participants for the purpose of population health screening. Participant phenotype was not available at the time of variant classification. Additional details can be found in publication PMID: 35346344, PMCID: PMC8962531

Labcorp Genetics (formerly Invitae), Labcorp
Classification: Uncertain significance for Hypokalemic periodic paralysis, type 1; Malignant hyperthermia, susceptibility to, 5. Last evaluated: 2022-08-07. Review status: criteria provided, single submitter. Criteria: Invitae Variant Classification Sherloc (09022015). Collection method: clinical testing. Allele origin: germline.
Comment: This variant is not present in population databases (gnomAD no frequency). In summary, the available evidence is currently insufficient to determine the role of this variant in disease. Therefore, it has been classified as a Variant of Uncertain Significance. Algorithms developed to predict the effect of missense changes on protein structure and function (SIFT, PolyPhen-2, Align-GVGD) all suggest that this variant is likely to be disruptive. This variant has not been reported in the literature in individuals affected with CACNA1S-related conditions. This sequence change replaces asparagine, which is neutral and polar, with lysine, which is basic and polar, at codon 663 of the CACNA1S protein (p.Asn663Lys).

NM_000069.3(CACNA1S):c.1989C>A (p.Asn663Lys)

Gene: CACNA1S (calcium voltage-gated channel subunit alpha1 S; minus strand). Cytogenetic location: 1q32.1.
Variant type: single nucleotide variant.
Coding change: c.1989C>A on transcript NM_000069.3 (MANE Select); coding-DNA position 1989, C replaced by A.
Protein change: p.Asn663Lys; replaces asparagine 663 with lysine.
Molecular consequence: missense variant.
Genome position (GRCh38, 1-based): chr1:201,074,580, G>T on the plus strand (C>A on the coding strand, the complement: CACNA1S is on the minus strand). VCF-style: chr1-201074580-G-T. GRCh37 (hg19) VCF-style: chr1-201043708-G-T.
Other names: short protein forms N663K.
Identifiers: ClinVar variation 2139524 (VCV002139524.3), dbSNP rs1661539496, ClinGen allele CA344115087.
Genomic context (GRCh38, chr1:201,074,580, plus strand): 5'-GCGTTTTTTCTCCTCAGCCTTGGCCTTCTGGGCAGAAGTCAGGCTCTCCGCCTCGGCCAG[G>T]TTGTCCACGGCAATGGCCAGGAAGACATTGAGCAGGATGTCTGAGCGGGTTTAGCTAAGG-3'
Protein context (NP_000060.2, residues 653-673): LNVFLAIAVD[Asn663Lys]LAEAESLTSA